The following is an entry in ClinVar:

ClinVar aggregate classification (germline): Uncertain significance (1 of 4 stars; one submission).

Conditions:
Dilated cardiomyopathy 1G (CMD1G). Identifiers: Orphanet 154, MedGen C1858763, MONDO:0011400, OMIM 604145.
Autosomal recessive limb-girdle muscular dystrophy type 2J (LGMDR10). Also called: Limb-girdle muscular dystrophy, type 2J; MUSCULAR DYSTROPHY, LIMB-GIRDLE, AUTOSOMAL RECESSIVE 10. Identifiers: Orphanet 140922, MedGen C1837342, MONDO:0012127, OMIM 608807.

Allele frequency attached by ClinVar (database versions not stated): gnomAD exomes 0.00001.
gnomAD v4.1: 7 of 1,611,346 alleles (0.00043%); highest among the groups gnomAD compares: Non-Finnish European, 0.00059%; no homozygotes.

Submission:

Labcorp Genetics (formerly Invitae), Labcorp
Classification: Uncertain significance for Dilated cardiomyopathy 1G; Autosomal recessive limb-girdle muscular dystrophy type 2J. Last evaluated: 2025-10-01. Review status: criteria provided, single submitter. Criteria: Invitae Variant Classification Sherloc (09022015). Collection method: clinical testing. Allele origin: germline.
Comment: This sequence change falls in intron 262 of the TTN gene. It does not directly change the encoded amino acid sequence of the TTN protein. It affects a nucleotide within the consensus splice site. This variant is not present in population databases (gnomAD no frequency). This variant has not been reported in the literature in individuals affected with TTN-related conditions. ClinVar contains an entry for this variant (Variation ID: 1037586). Variants that disrupt the consensus splice site are a relatively common cause of aberrant splicing (PMID: 17576681, 9536098). Algorithms developed to predict the effect of sequence changes on RNA splicing suggest that this variant is not likely to affect RNA splicing. This variant is located in the A band of TTN (PMID: 25589632). Variants in this region may be relevant for cardiac or neuromuscular disorders (PMID: 25589632, 23975875). In summary, the available evidence is currently insufficient to determine the role of this variant in disease. Therefore, it has been classified as a Variant of Uncertain Significance.

Literature cited by the submitters: PubMed 17576681; PubMed 9536098; PubMed 25589632; PubMed 23975875.

NM_001267550.2(TTN):c.49345+3A>G

Genes: TTN (titin; minus strand), TTN-AS1 (TTN antisense RNA 1; plus strand). Cytogenetic location: 2q31.2.
Variant type: single nucleotide variant.
Coding change: c.49345+3A>G on transcript NM_001267550.2 (MANE Select); 3 bases into the intron after coding-DNA position 49345, A replaced by G.
Molecular consequence: intron variant. On other transcripts: non-coding transcript variant (1).
Genome position (GRCh38, 1-based): chr2:178,614,049, T>C on the plus strand (A>G on the coding strand, the complement: TTN is on the minus strand). VCF-style: chr2-178614049-T-C. GRCh37 (hg19) VCF-style: chr2-179478776-T-C.
Other names: c.22150+3A>G (NM_003319.4); c.22726+3A>G (NM_133437.4); c.22525+3A>G (NM_133432.3); c.41641+3A>G (NM_133378.4); c.44422+3A>G (NM_001256850.1).
Identifiers: ClinVar variation 1037586 (VCV001037586.12), dbSNP rs2056845605, ClinGen allele CA430272992.